The following is an entry in ClinVar:

ClinVar aggregate classification (germline): Pathogenic (1 of 4 stars; one submission).

Conditions:
Neurofibromatosis, type 2 (SWNV). Also called: NF2-Related Schwannomatosis; BILATERAL ACOUSTIC NEUROFIBROMATOSIS; SCHWANNOMATOSIS, VESTIBULAR. Identifiers: Orphanet 637, MedGen C0027832, MONDO:0007039, OMIM 101000. Disease mechanism: loss of function.

Submission:

Labcorp Genetics (formerly Invitae), Labcorp
Classification: Pathogenic for Neurofibromatosis, type 2. Last evaluated: 2022-11-08. Review status: criteria provided, single submitter. Criteria: Invitae Variant Classification Sherloc (09022015). Collection method: clinical testing. Allele origin: germline.
Comment: For these reasons, this variant has been classified as Pathogenic. The region of the NF2 gene that includes exon(s) 4 has been determined to be clinically significant (PMID: 9817927, 10777666, 18033041). Therefore, deletions that encompass that region are likely to be disease-causing. A similar copy number variant has been observed in individual(s) with neurofibromatosis type 2 (PMID: 9817927, 10777666, 18033041). This variant is a gross deletion of the genomic region encompassing exon(s) 4 of the NF2 gene. This variant would be expected to be in-frame, preserving the integrity of the reading frame.

Literature cited by the submitters: PubMed 9817927; PubMed 10777666; PubMed 18033041.

NC_000022.11:g.(?_29642196)_(29642291_?)del

Gene: NF2 (NF2, moesin-ezrin-radixin like (MERLIN) tumor suppressor; plus strand). Cytogenetic location: 22q12.2.
Variant type: Deletion.
Identifiers: ClinVar variation 583855 (VCV000583855.11).